The following is an entry in ClinVar:

ClinVar aggregate classification (germline): Conflicting classifications of pathogenicity. Review status: criteria provided, conflicting classifications (1 of 4 stars). 3 submissions from 3 submitters: Uncertain significance (2); Likely benign (1). Last evaluated 2025-09-15.

Conditions:
Aortic aneurysm, familial thoracic 7 (AAT7). Also called: AORTIC DISSECTION, FAMILIAL, WITH OR WITHOUT AORTIC ANEURYSM. Identifiers: MedGen C3151077, MONDO:0013418, OMIM 613780.
Megacystis-microcolon-intestinal hypoperistalsis syndrome 1. Identifiers: MedGen C5542316, MONDO:0100354, OMIM 249210.
Familial thoracic aortic aneurysm and aortic dissection (TAAD). Also called: Thoracic aortic aneurysms and dissections. Identifiers: Orphanet 91387, MedGen C4707243, MONDO:0019625.

Allele frequency attached by ClinVar (database versions not stated): gnomAD 0.00001; gnomAD exomes 0.00001; ExAC 0.00002.
gnomAD v4.1: 16 of 1,614,054 alleles (0.00099%); highest among the groups gnomAD compares: Non-Finnish European, 0.0014%; no homozygotes.

Submissions (3):

Ambry Genetics
Classification: Likely benign for Familial thoracic aortic aneurysm and aortic dissection. Last evaluated: 2025-09-15. Review status: criteria provided, single submitter. Criteria: Ambry Variant Classification Scheme 2023. Collection method: clinical testing. Allele origin: germline.

Labcorp Genetics (formerly Invitae), Labcorp
Classification: Uncertain significance for Aortic aneurysm, familial thoracic 7. Last evaluated: 2024-09-02. Review status: criteria provided, single submitter. Criteria: Invitae Variant Classification Sherloc (09022015). Collection method: clinical testing. Allele origin: germline.
Comment: This sequence change replaces arginine, which is basic and polar, with lysine, which is basic and polar, at codon 1469 of the MYLK protein (p.Arg1469Lys). This variant is present in population databases (rs761390691, gnomAD 0.0009%). This variant has not been reported in the literature in individuals affected with MYLK-related conditions. ClinVar contains an entry for this variant (Variation ID: 952930). Invitae Evidence Modeling of protein sequence and biophysical properties (such as structural, functional, and spatial information, amino acid conservation, physicochemical variation, residue mobility, and thermodynamic stability) indicates that this missense variant is not expected to disrupt MYLK protein function with a negative predictive value of 80%. In summary, the available evidence is currently insufficient to determine the role of this variant in disease. Therefore, it has been classified as a Variant of Uncertain Significance.

Fulgent Genetics
Classification: Uncertain significance for Megacystis-microcolon-intestinal hypoperistalsis syndrome 1; Aortic aneurysm, familial thoracic 7. Last evaluated: 2021-08-26. Review status: criteria provided, single submitter. Criteria: ACMG Guidelines, 2015. Collection method: clinical testing. Allele origin: unknown.

NM_053025.4(MYLK):c.4406G>A (p.Arg1469Lys)

Gene: MYLK (myosin light chain kinase; minus strand). Cytogenetic location: 3q21.1.
Variant type: single nucleotide variant.
Coding change: c.4406G>A on transcript NM_053025.4 (MANE Select); coding-DNA position 4406, G replaced by A.
Protein change: p.Arg1469Lys; replaces arginine 1469 with lysine.
Molecular consequence: missense variant.
Genome position (GRCh38, 1-based): chr3:123,648,980, C>T on the plus strand (G>A on the coding strand, the complement: MYLK is on the minus strand). VCF-style: chr3-123648980-C-T. GRCh37 (hg19) VCF-style: chr3-123367827-C-T.
Other names: c.3878G>A, p.Arg1293Lys (NM_001321309.2); c.4199G>A, p.Arg1400Lys (NM_053026.4, NM_053028.4); c.4406G>A, p.Arg1469Lys (NM_053027.4); short protein forms R1293K, R1400K, R1469K.
Identifiers: ClinVar variation 952930 (VCV000952930.12), dbSNP rs761390691, ClinGen allele CA071551.